The following is an entry in ClinVar:

NM_177438.3(DICER1):c.180C>T (p.Thr60=)

Gene: DICER1 (dicer 1, ribonuclease III; minus strand). Cytogenetic location: 14q32.13.
Variant type: single nucleotide variant.
Coding change: c.180C>T on transcript NM_177438.3 (MANE Select); coding-DNA position 180, C replaced by T.
Protein change: p.Thr60=; no amino-acid change (threonine 60 retained).
Molecular consequence: synonymous variant.
Genome position (GRCh38, 1-based): chr14:95,132,642, G>A on the plus strand (C>T on the coding strand, the complement: DICER1 is on the minus strand). VCF-style: chr14-95132642-G-A. GRCh37 (hg19) VCF-style: chr14-95598979-G-A.
Other names: c.180C>T, p.Thr60= (NM_001195573.1, NM_001271282.3, NM_001291628.2 and 1 more transcripts).
Identifiers: ClinVar variation 417122 (VCV000417122.18), dbSNP rs569451472, ClinGen allele CA16614732.

ClinVar aggregate classification (germline): Benign/Likely benign. Review status: criteria provided, multiple submitters, no conflicts (2 of 4 stars). 3 submissions from 3 submitters: Benign (1); Likely benign (2). Last evaluated 2026-04-14.

Conditions:
DICER1-related tumor predisposition. Also called: DICER1-related pleuropulmonary blastoma cancer predisposition syndrome; DICER1 syndrome. Identifiers: Orphanet 284343, MedGen C3839822, MONDO:0100216.
Hereditary cancer-predisposing syndrome. Also called: Hereditary Cancer Syndrome; Neoplastic Syndromes, Hereditary; Hereditary neoplastic syndrome; Tumor predisposition. Identifiers: Orphanet 140162, MedGen C0027672, MeSH D009386, MONDO:0015356.

Allele frequency attached by ClinVar (database versions not stated): gnomAD exomes below 0.00001; TOPMed below 0.00001; gnomAD 0.00001.
gnomAD v4.1: 5 of 1,613,778 alleles (0.00031%); highest among the groups gnomAD compares: Non-Finnish European, 0.00042%; no homozygotes.

Submissions (3):

Myriad Genetics, Inc.
Classification: Benign for DICER1-related tumor predisposition. Last evaluated: 2026-04-14. Review status: criteria provided, single submitter. Criteria: Myriad Autosomal Dominant, Autosomal Recessive and X-Linked Classification Criteria (2023). Collection method: clinical testing. Allele origin: unknown.
Comment: This variant is considered benign. This variant is a silent/synonymous amino acid change and it is not expected to impact splicing.

Labcorp Genetics (formerly Invitae), Labcorp
Classification: Likely benign for DICER1-related tumor predisposition. Last evaluated: 2025-03-03. Review status: criteria provided, single submitter. Criteria: Invitae Variant Classification Sherloc (09022015). Collection method: clinical testing. Allele origin: germline.

Ambry Genetics
Classification: Likely benign for Hereditary cancer-predisposing syndrome. Last evaluated: 2019-01-17. Review status: criteria provided, single submitter. Criteria: Ambry Variant Classification Scheme 2023. Collection method: clinical testing. Allele origin: germline.